The following is an entry in ClinVar:

NM_024301.5(FKRP):c.404C>T (p.Ala135Val)

Gene: FKRP (fukutin related protein; plus strand). Cytogenetic location: 19q13.32.
Variant type: single nucleotide variant.
Coding change: c.404C>T on transcript NM_024301.5 (MANE Select); coding-DNA position 404, C replaced by T.
Protein change: p.Ala135Val; replaces alanine 135 with valine.
Molecular consequence: missense variant.
Genome position (GRCh38, 1-based): chr19:46,755,854, C>T. VCF-style: chr19-46755854-C-T. GRCh37 (hg19) VCF-style: chr19-47259111-C-T.
Other names: c.404C>T, p.Ala135Val (NM_001039885.3); short protein forms A135V.
Identifiers: ClinVar variation 2125231 (VCV002125231.3), dbSNP rs398124392, ClinGen allele CA406495258.
Genomic context (GRCh38, chr19:46,755,854, plus strand): 5'-CGCGCCCGGAGACCTACGTGGCCACCGAGTTTGTGGCCCTAGTACCTGATGGGGCGCGGG[C>T]TGAGGCACCTGGCCTGCTGGAGCGCATGGTGGAGGCGCTCCGCGCAGGAAGCGCACGTCT-3'
Protein context (NP_077277.1, residues 125-145): FVALVPDGAR[Ala135Val]EAPGLLERMV

ClinVar aggregate classification (germline): Uncertain significance (1 of 4 stars; one submission).

Conditions:
Walker-Warburg congenital muscular dystrophy. Also called: Muscular dystrophy-dystroglycanopathy, type A; Walker-Warburg syndrome. Identifiers: Orphanet 899, MedGen C0265221, MONDO:0000171.

gnomAD v4.1: 1 of 1,489,860 alleles (0.000067%); highest among the groups gnomAD compares: South Asian, 0.0013%; no homozygotes.

Submission:

Labcorp Genetics (formerly Invitae), Labcorp
Classification: Uncertain significance for Walker-Warburg congenital muscular dystrophy. Last evaluated: 2022-05-23. Review status: criteria provided, single submitter. Criteria: Invitae Variant Classification Sherloc (09022015). Collection method: clinical testing. Allele origin: germline.
Comment: In summary, the available evidence is currently insufficient to determine the role of this variant in disease. Therefore, it has been classified as a Variant of Uncertain Significance. Algorithms developed to predict the effect of missense changes on protein structure and function output the following: SIFT: "Tolerated"; PolyPhen-2: "Benign"; Align-GVGD: "Class C0". The valine amino acid residue is found in multiple mammalian species, which suggests that this missense change does not adversely affect protein function. This variant has not been reported in the literature in individuals affected with FKRP-related conditions. This variant is present in population databases (no rsID available, gnomAD no frequency). This sequence change replaces alanine, which is neutral and non-polar, with valine, which is neutral and non-polar, at codon 135 of the FKRP protein (p.Ala135Val).